The following is an entry in ClinVar:

NM_000038.6(APC):c.-19+148G>C

Gene: APC (APC regulator of WNT signaling pathway; plus strand). Cytogenetic location: 5q22.2.
Variant type: single nucleotide variant.
Coding change: c.-19+148G>C on transcript NM_000038.6 (MANE Select); 148 bases into the intron after 19 bases upstream of the start codon, G replaced by C.
Molecular consequence: intron variant.
Genome position (GRCh38, 1-based): chr5:112,738,073, G>C. VCF-style: chr5-112738073-G-C. GRCh37 (hg19) VCF-style: chr5-112073770-G-C.
Other names: c.-18-16800G>C (NM_001354895.2); c.166-28253G>C (NM_001354897.2, NM_001354902.2, NM_001127511.3); c.-127+148G>C (NM_001127510.3); c.-49+148G>C (NM_001354898.2, NM_001354904.2); c.-1054+148G>C (NM_001354906.2); c.-19+148G>C (NM_001354896.2, NM_001354903.2, NM_001354899.2); c.-43+148G>C (NM_001354900.2, NM_001354901.2, NM_001354905.2).
Identifiers: ClinVar variation 82739 (VCV000082739.2), dbSNP rs79577178, ClinGen allele CA006353.

ClinVar aggregate classification (germline): other (0 of 4 stars; one submission).

Conditions:
Familial colorectal cancer. Identifiers: MedGen CN280943, MONDO:0023113. Disease mechanism: loss of function.

Submission:

Systems Biology Platform Zhejiang California International NanoSystems Institute
Classification: other for Familial colorectal cancer. Review status: no assertion criteria provided. Collection method: not provided. Allele origin: unknown.
ClinVar note: Converted during submission from cancer to other.